The following is an entry in ClinVar:

NM_014694.4(ADAMTSL2):c.233+4C>T

Gene: ADAMTSL2 (ADAMTS like 2; plus strand). Cytogenetic location: 9q34.2.
Variant type: single nucleotide variant.
Coding change: c.233+4C>T on transcript NM_014694.4 (MANE Select); 4 bases into the intron after coding-DNA position 233, C replaced by T.
Molecular consequence: intron variant.
Genome position (GRCh38, 1-based): chr9:133,537,551, C>T. VCF-style: chr9-133537551-C-T. GRCh37 (hg19) VCF-style: chr9-136402673-C-T.
Other names: c.233+4C>T (NM_001145320.2).
Identifiers: ClinVar variation 3035743 (VCV003035743.2), dbSNP rs765252396, ClinGen allele CA5312506.

ClinVar aggregate classification (germline): Likely benign (0 of 4 stars; one submission).

Conditions:
ADAMTSL2-related disorder. Also called: ADAMTSL2-related condition.

Allele frequency attached by ClinVar (database versions not stated): ExAC 0.00001.
gnomAD v4.1: 6 of 1,341,908 alleles (0.00045%); highest among the groups gnomAD compares: Non-Finnish European, 0.00058%; no homozygotes.

Submission:

PreventionGenetics, part of Exact Sciences
Classification: Likely benign for ADAMTSL2-related condition. Last evaluated: 2019-07-30. Review status: no assertion criteria provided. Collection method: clinical testing. Allele origin: germline.
Comment: This variant is classified as likely benign based on ACMG/AMP sequence variant interpretation guidelines (Richards et al. 2015 PMID: 25741868, with internal and published modifications).